The following is an entry in ClinVar:

ClinVar aggregate classification (germline): Uncertain significance (1 of 4 stars; one submission).

Conditions:
Ataxia-telangiectasia syndrome (AT). Also called: Ataxia-telangiectasia, complementation group D; AT, COMPLEMENTATION GROUP C; ATAXIA-TELANGIECTASIA, COMPLEMENTATION GROUP A; ATAXIA-TELANGIECTASIA, FRESNO VARIANT; Ataxia-telangiectasia, complementation group E; LOUIS-BAR SYNDROME. Identifiers: Orphanet 100, MedGen C0004135, MONDO:0008840, OMIM 208900.

Submission:

Labcorp Genetics (formerly Invitae), Labcorp
Classification: Uncertain significance for Ataxia-telangiectasia syndrome. Last evaluated: 2025-04-21. Review status: criteria provided, single submitter. Criteria: Invitae Variant Classification Sherloc (09022015). Collection method: clinical testing. Allele origin: germline.
Comment: This sequence change replaces histidine, which is basic and polar, with proline, which is neutral and non-polar, at codon 2430 of the ATM protein (p.His2430Pro). This variant is not present in population databases (gnomAD no frequency). This variant has not been reported in the literature in individuals affected with ATM-related conditions. ClinVar contains an entry for this variant (Variation ID: 1909116). Invitae Evidence Modeling of protein sequence and biophysical properties (such as structural, functional, and spatial information, amino acid conservation, physicochemical variation, residue mobility, and thermodynamic stability) indicates that this missense variant is not expected to disrupt ATM protein function with a negative predictive value of 95%. In summary, the available evidence is currently insufficient to determine the role of this variant in disease. Therefore, it has been classified as a Variant of Uncertain Significance.

NM_000051.4(ATM):c.7289A>C (p.His2430Pro)

Genes: ATM (ATM serine/threonine kinase; plus strand), C11orf65 (chromosome 11 open reading frame 65; minus strand). Cytogenetic location: 11q22.3.
Variant type: single nucleotide variant.
Coding change: c.7289A>C on transcript NM_000051.4 (MANE Select); coding-DNA position 7289, A replaced by C.
Protein change: p.His2430Pro; replaces histidine 2430 with proline.
Molecular consequence: missense variant. On other transcripts: intron variant (2).
Genome position (GRCh38, 1-based): chr11:108,329,220, A>C. VCF-style: chr11-108329220-A-C. GRCh37 (hg19) VCF-style: chr11-108199947-A-C.
Other names: c.7289A>C, p.His2430Pro (NM_001351834.2); c.641-20149T>G (NM_001330368.2); c.*38+6000T>G (NM_001351110.2); short protein forms H2430P.
Identifiers: ClinVar variation 1909116 (VCV001909116.4), dbSNP rs786202856, ClinGen allele CA382559805.